The following is an entry in ClinVar:

ClinVar aggregate classification (germline): Uncertain significance (1 of 4 stars; one submission).

Allele frequency attached by ClinVar (database versions not stated): ExAC 0.00001; gnomAD 0.00001; gnomAD exomes 0.00002; TOPMed 0.00002.
gnomAD v4.1: 33 of 1,614,056 alleles (0.002%); highest among the groups gnomAD compares: Middle Eastern, 0.016%; no homozygotes.

Submission:

Labcorp Genetics (formerly Invitae), Labcorp
Classification: Uncertain significance. Last evaluated: 2022-09-03. Review status: criteria provided, single submitter. Criteria: Invitae Variant Classification Sherloc (09022015). Collection method: clinical testing. Allele origin: germline.
Comment: In summary, the available evidence is currently insufficient to determine the role of this variant in disease. Therefore, it has been classified as a Variant of Uncertain Significance. Algorithms developed to predict the effect of missense changes on protein structure and function (SIFT, PolyPhen-2, Align-GVGD) all suggest that this variant is likely to be tolerated. ClinVar contains an entry for this variant (Variation ID: 1523020). This variant has not been reported in the literature in individuals affected with CAPN5-related conditions. This variant is present in population databases (rs782281851, gnomAD 0.005%). This sequence change replaces glutamic acid, which is acidic and polar, with lysine, which is basic and polar, at codon 201 of the CAPN5 protein (p.Glu201Lys).

NM_004055.5(CAPN5):c.601G>A (p.Glu201Lys)

Gene: CAPN5 (calpain 5; plus strand). Cytogenetic location: 11q13.5.
Variant type: single nucleotide variant.
Coding change: c.601G>A on transcript NM_004055.5 (MANE Select); coding-DNA position 601, G replaced by A.
Protein change: p.Glu201Lys; replaces glutamic acid 201 with lysine.
Molecular consequence: missense variant.
Genome position (GRCh38, 1-based): chr11:77,114,336, G>A. VCF-style: chr11-77114336-G-A. GRCh37 (hg19) VCF-style: chr11-76825382-G-A.
Other names: short protein forms E201K.
Identifiers: ClinVar variation 1523020 (VCV001523020.8), dbSNP rs782281851, ClinGen allele CA6196488.
Genomic context (GRCh38, chr11:77,114,336, plus strand): 5'-AACACAGCAGACGCACTGGTGGACTTCACGGGTGGTGTTTCTGAGCCCATCGACCTGACC[G>A]AGGGTGACTTTGCCAACGATGAGACTAAGAGGAACCAGCTCTTTGAGCGCATGTTAAAGG-3'
Protein context (NP_004046.2, residues 191-211): GGVSEPIDLT[Glu201Lys]GDFANDETKR